The following is an entry in ClinVar:

ClinVar aggregate classification (germline): Likely benign. Review status: criteria provided, multiple submitters, no conflicts (2 of 4 stars). 7 submissions from 7 submitters: Likely benign (7). Last evaluated 2024-11-15.

Conditions:
Cardiovascular phenotype. Identifiers: MedGen CN230736.
Cardiomyopathy (CMYO). Also called: Cardiomyopathies. Identifiers: Orphanet 167848, MedGen C0878544, MONDO:0004994, HP:0001638. Inheritance: Various modes of inheritance.
Hypertrophic cardiomyopathy. Also called: HYPERTROPHIC MYOCARDIOPATHY. Identifiers: Orphanet 217569, MedGen C0007194, MeSH D002312, MONDO:0005045, HP:0001639.

Allele frequency attached by ClinVar (database versions not stated): ExAC 0.00001; gnomAD exomes 0.00001; TOPMed 0.00001; ESP Exome Variant Server 0.00008.
gnomAD v4.1: 39 of 1,612,680 alleles (0.0024%); highest among the groups gnomAD compares: Non-Finnish European, 0.0029%; no homozygotes.

Submissions (7):

Labcorp Genetics (formerly Invitae), Labcorp
Classification: Likely benign for Hypertrophic cardiomyopathy. Last evaluated: 2024-11-15. Review status: criteria provided, single submitter. Criteria: Invitae Variant Classification Sherloc (09022015). Collection method: clinical testing. Allele origin: germline.

All of Us Research Program, National Institutes of Health
Classification: Likely benign for Hypertrophic cardiomyopathy. Last evaluated: 2023-11-20. Review status: criteria provided, single submitter. Criteria: ACMG Guidelines, 2015. Collection method: clinical testing. Allele origin: germline. Inheritance: Autosomal dominant inheritance. Observed: 8 variant alleles, 8 heterozygotes.
Comment: This study involves interpretation of variants in research participants for the purpose of population health screening. Participant phenotype was not available at the time of variant classification. Additional details can be found in publication PMID: 35346344, PMCID: PMC8962531

Ambry Genetics
Classification: Likely benign for Cardiovascular phenotype. Last evaluated: 2023-04-13. Review status: criteria provided, single submitter. Criteria: Ambry Variant Classification Scheme 2023. Collection method: clinical testing. Allele origin: germline.

Blueprint Genetics
Classification: Likely benign. Last evaluated: 2020-02-14. Review status: criteria provided, single submitter. Criteria: ACMG Guidelines, 2015. Collection method: clinical testing. Allele origin: germline.

Color Diagnostics, LLC DBA Color Health
Classification: Likely benign for Cardiomyopathy. Last evaluated: 2018-12-16. Review status: criteria provided, single submitter. Criteria: ACMG Guidelines, 2015. Collection method: clinical testing. Allele origin: germline.

GeneDx
Classification: Likely benign. Last evaluated: 2016-11-08. Review status: criteria provided, single submitter. Criteria: GeneDx Variant Classification (06012015). Collection method: clinical testing. Allele origin: germline. Affected: yes.
Comment: This variant is considered likely benign or benign based on one or more of the following criteria: it is a conservative change, it occurs at a poorly conserved position in the protein, it is predicted to be benign by multiple in silico algorithms, and/or has population frequency not consistent with disease.

Laboratory for Molecular Medicine, Mass General Brigham Personalized Medicine
Classification: Likely benign. Last evaluated: 2009-07-02. Review status: criteria provided, single submitter. Criteria: LMM Criteria. Collection method: clinical testing. Allele origin: germline. Observed: 2 variant alleles.

NM_000256.3(MYBPC3):c.2544G>A (p.Ala848=)

Gene: MYBPC3 (myosin binding protein C3; minus strand). Cytogenetic location: 11p11.2.
Variant type: single nucleotide variant.
Coding change: c.2544G>A on transcript NM_000256.3 (MANE Select); coding-DNA position 2544, G replaced by A.
Protein change: p.Ala848=; no amino-acid change (alanine 848 retained).
Molecular consequence: synonymous variant.
Genome position (GRCh38, 1-based): chr11:47,337,449, C>T on the plus strand (G>A on the coding strand, the complement: MYBPC3 is on the minus strand). VCF-style: chr11-47337449-C-T. GRCh37 (hg19) VCF-style: chr11-47359000-C-T.
Identifiers: ClinVar variation 42637 (VCV000042637.16), dbSNP rs369904619, ClinGen allele CA012593.